The following is an entry in ClinVar:

NM_006073.4(TRDN):c.1427T>C (p.Ile476Thr)

Gene: TRDN (triadin; minus strand). Cytogenetic location: 6q22.31.
Variant type: single nucleotide variant.
Coding change: c.1427T>C on transcript NM_006073.4 (MANE Select); coding-DNA position 1427, T replaced by C.
Protein change: p.Ile476Thr; replaces isoleucine 476 with threonine.
Molecular consequence: missense variant.
Genome position (GRCh38, 1-based): chr6:123,331,923, A>G on the plus strand (T>C on the coding strand, the complement: TRDN is on the minus strand). VCF-style: chr6-123331923-A-G. GRCh37 (hg19) VCF-style: chr6-123653068-A-G.
Other names: c.1427T>C (NM_006073.2); short protein forms I476T.
Identifiers: ClinVar variation 641770 (VCV000641770.11), dbSNP rs1582882357, ClinGen allele CA365563962.

ClinVar aggregate classification (germline): Uncertain significance. Review status: criteria provided, multiple submitters, no conflicts (2 of 4 stars). 2 submissions from 2 submitters: Uncertain significance (2). Last evaluated 2026-06-22.

Conditions:
Catecholaminergic polymorphic ventricular tachycardia 1. Also called: RYR2-Related Catecholaminergic Polymorphic Ventricular Tachycardia; VENTRICULAR TACHYCARDIA, CATECHOLAMINERGIC POLYMORPHIC, 1, WITH OR WITHOUT ATRIAL DYSFUNCTION AND/OR DILATED CARDIOMYOPATHY; VENTRICULAR TACHYCARDIA, STRESS-INDUCED POLYMORPHIC 1. Identifiers: Orphanet 3286, MedGen C1631597, MONDO:0011484, OMIM 604772.
Cardiovascular phenotype. Identifiers: MedGen CN230736.

Submissions (2):

Ambry Genetics
Classification: Uncertain significance for Cardiovascular phenotype. Last evaluated: 2026-06-22. Review status: criteria provided, single submitter. Criteria: Ambry Variant Classification Scheme 2023. Collection method: clinical testing. Allele origin: germline.
Comment: The p.I476T variant (also known as c.1427T>C), located in coding exon 23 of the TRDN gene, results from a T to C substitution at nucleotide position 1427. The isoleucine at codon 476 is replaced by threonine, an amino acid with similar properties. This amino acid position is conserved. In addition, this alteration is predicted to be tolerated by in silico analysis. Based on the available evidence, the clinical significance of this variant remains unclear.

Labcorp Genetics (formerly Invitae), Labcorp
Classification: Uncertain significance for Catecholaminergic polymorphic ventricular tachycardia 1. Last evaluated: 2018-10-06. Review status: criteria provided, single submitter. Criteria: Invitae Variant Classification Sherloc (09022015). Collection method: clinical testing. Allele origin: germline.
Comment: In summary, the available evidence is currently insufficient to determine the role of this variant in disease. Therefore, it has been classified as a Variant of Uncertain Significance. This sequence change replaces isoleucine with threonine at codon 476 of the TRDN protein (p.Ile476Thr). The isoleucine residue is weakly conserved and there is a moderate physicochemical difference between isoleucine and threonine. This variant is not present in population databases (ExAC no frequency). This variant has not been reported in the literature in individuals with TRDN-related disease. Algorithms developed to predict the effect of missense changes on protein structure and function output the following: SIFT: "Deleterious"; PolyPhen-2: "Benign"; Align-GVGD: "Class C0". The threonine amino acid residue is found in multiple mammalian species, suggesting that this missense change does not adversely affect protein function. These predictions have not been confirmed by published functional studies and their clinical significance is uncertain.